The following is an entry in ClinVar:

ClinVar aggregate classification (germline): Uncertain significance (1 of 4 stars; one submission).

Conditions:
RYR1-related disorder. Also called: RYR1-related disorders; RYR1-related condition. Identifiers: MedGen CN239331.

Allele frequency attached by ClinVar (database versions not stated): TOPMed 0.00001.
gnomAD v4.1: 2 of 1,612,828 alleles (0.00012%); highest among the groups gnomAD compares: African/African-American, 0.0013%; no homozygotes.

Submission:

Labcorp Genetics (formerly Invitae), Labcorp
Classification: Uncertain significance for RYR1-related disorder. Last evaluated: 2023-10-09. Review status: criteria provided, single submitter. Criteria: Invitae Variant Classification Sherloc (09022015). Collection method: clinical testing. Allele origin: germline.
Comment: This sequence change replaces arginine, which is basic and polar, with leucine, which is neutral and non-polar, at codon 4188 of the RYR1 protein (p.Arg4188Leu). This variant is present in population databases (no rsID available, gnomAD 0.01%). This variant has not been reported in the literature in individuals affected with RYR1-related conditions. ClinVar contains an entry for this variant (Variation ID: 970960). Advanced modeling of protein sequence and biophysical properties (such as structural, functional, and spatial information, amino acid conservation, physicochemical variation, residue mobility, and thermodynamic stability) performed at Invitae indicates that this missense variant is expected to disrupt RYR1 protein function. In summary, the available evidence is currently insufficient to determine the role of this variant in disease. Therefore, it has been classified as a Variant of Uncertain Significance.

NM_000540.3(RYR1):c.12563G>T (p.Arg4188Leu)

Gene: RYR1 (ryanodine receptor 1; plus strand). Cytogenetic location: 19q13.2.
Variant type: single nucleotide variant.
Coding change: c.12563G>T on transcript NM_000540.3 (MANE Select); coding-DNA position 12563, G replaced by T.
Protein change: p.Arg4188Leu; replaces arginine 4188 with leucine.
Molecular consequence: missense variant.
Genome position (GRCh38, 1-based): chr19:38,561,393, G>T. VCF-style: chr19-38561393-G-T. GRCh37 (hg19) VCF-style: chr19-39052033-G-T.
Other names: c.12548G>T, p.Arg4183Leu (NM_001042723.2); short protein forms R4183L, R4188L.
Identifiers: ClinVar variation 970960 (VCV000970960.9), dbSNP rs749890987, ClinGen allele CA308105940.